The following is an entry in ClinVar:

ClinVar aggregate classification (germline): Uncertain significance (1 of 4 stars; one submission).

Conditions:
Early-infantile DEE. Also called: Ohtahara syndrome; Early infantile epileptic encephalopathy with suppression bursts; Early infantile epileptic encephalopathy. Identifiers: Orphanet 1934, MedGen C0393706, MONDO:0800491.

Allele frequency attached by ClinVar (database versions not stated): TOPMed below 0.00001; ExAC 0.00001; gnomAD exomes 0.00001; gnomAD 0.00002.
gnomAD v4.1: 13 of 1,614,054 alleles (0.00081%); highest among the groups gnomAD compares: Admixed American, 0.0033%; no homozygotes.

Submission:

Labcorp Genetics (formerly Invitae), Labcorp
Classification: Uncertain significance for Early-infantile DEE. Last evaluated: 2024-11-16. Review status: criteria provided, single submitter. Criteria: Invitae Variant Classification Sherloc (09022015). Collection method: clinical testing. Allele origin: germline.
Comment: This sequence change replaces arginine, which is basic and polar, with histidine, which is basic and polar, at codon 1612 of the SPTAN1 protein (p.Arg1612His). This variant is present in population databases (rs763832522, gnomAD 0.003%). This variant has not been reported in the literature in individuals affected with SPTAN1-related conditions. ClinVar contains an entry for this variant (Variation ID: 2168982). Invitae Evidence Modeling of protein sequence and biophysical properties (such as structural, functional, and spatial information, amino acid conservation, physicochemical variation, residue mobility, and thermodynamic stability) has been performed for this missense variant. However, the output from this modeling did not meet the statistical confidence thresholds required to predict the impact of this variant on SPTAN1 protein function. In summary, the available evidence is currently insufficient to determine the role of this variant in disease. Therefore, it has been classified as a Variant of Uncertain Significance.

NM_001130438.3(SPTAN1):c.4835G>A (p.Arg1612His)

Gene: SPTAN1 (spectrin alpha, non-erythrocytic 1; plus strand). Cytogenetic location: 9q34.11.
Variant type: single nucleotide variant.
Coding change: c.4835G>A on transcript NM_001130438.3 (MANE Select); coding-DNA position 4835, G replaced by A.
Protein change: p.Arg1612His; replaces arginine 1612 with histidine.
Molecular consequence: missense variant.
Genome position (GRCh38, 1-based): chr9:128,611,775, G>A. VCF-style: chr9-128611775-G-A. GRCh37 (hg19) VCF-style: chr9-131374054-G-A.
Other names: c.4760G>A, p.Arg1587His (NM_001195532.2); c.4835G>A, p.Arg1612His (NM_001363759.2, NM_001375310.1, NM_001375311.2 and 1 more transcripts); c.4775G>A, p.Arg1592His (NM_001363765.2, NM_001375314.2); c.4871G>A, p.Arg1624His (NM_001375312.2, NM_001375318.1); c.4820G>A, p.Arg1607His (NM_003127.4); short protein forms R1587H, R1607H, R1612H, R1624H, R1592H.
Identifiers: ClinVar variation 2168982 (VCV002168982.4), dbSNP rs763832522, ClinGen allele CA5265310.
Genomic context (GRCh38, chr9:128,611,775, plus strand): 5'-GCAAGCACCAGAAGCACCAGGCTTTTGAAGCAGAGCTGCATGCCAACGCTGACCGGATCC[G>A]TGGGGTTATCGACATGGGCAACTCCCTCATTGAACGTGGAGCCTGTGCCGGCAGTGAGGA-3'
Protein context (NP_001123910.1, residues 1602-1622): AELHANADRI[Arg1612His]GVIDMGNSLI